The following is an entry in ClinVar:

ClinVar aggregate classification (germline): Uncertain significance. Review status: criteria provided, multiple submitters, no conflicts (2 of 4 stars). 2 submissions from 2 submitters: Uncertain significance (2). Last evaluated 2022-10-21.

Conditions:
Hereditary cancer-predisposing syndrome. Also called: Neoplastic Syndromes, Hereditary; Hereditary Cancer Syndrome; Tumor predisposition; Hereditary neoplastic syndrome. Identifiers: Orphanet 140162, MedGen C0027672, MeSH D009386, MONDO:0015356.
Breast-ovarian cancer, familial, susceptibility to, 4. Identifiers: Orphanet 145, MedGen C3280345, MONDO:0013669, OMIM 614291.

Allele frequency attached by ClinVar (database versions not stated): TOPMed below 0.00001.

Submissions (2):

Ambry Genetics
Classification: Uncertain significance for Hereditary cancer-predisposing syndrome. Last evaluated: 2022-10-21. Review status: criteria provided, single submitter. Criteria: Ambry Variant Classification Scheme 2023. Collection method: clinical testing. Allele origin: germline.
Comment: The p.Q220R variant (also known as c.659A>G), located in coding exon 7 of the RAD51D gene, results from an A to G substitution at nucleotide position 659. The glutamine at codon 220 is replaced by arginine, an amino acid with highly similar properties. This amino acid position is well conserved in available vertebrate species. In addition, the in silico prediction for this alteration is inconclusive. Since supporting evidence is limited at this time, the clinical significance of this alteration remains unclear.

Labcorp Genetics (formerly Invitae), Labcorp
Classification: Uncertain significance for Breast-ovarian cancer, familial, susceptibility to, 4. Last evaluated: 2020-07-09. Review status: criteria provided, single submitter. Criteria: Invitae Variant Classification Sherloc (09022015). Collection method: clinical testing. Allele origin: germline.
Comment: This sequence change replaces glutamine with arginine at codon 220 of the RAD51D protein (p.Gln220Arg). The glutamine residue is moderately conserved and there is a small physicochemical difference between glutamine and arginine. This variant is not present in population databases (ExAC no frequency). This variant has not been reported in the literature in individuals with RAD51D-related conditions. Algorithms developed to predict the effect of missense changes on protein structure and function are either unavailable or do not agree on the potential impact of this missense change (SIFT: "Tolerated"; PolyPhen-2: "Possibly Damaging"; Align-GVGD: "Class C0"). In summary, the available evidence is currently insufficient to determine the role of this variant in disease. Therefore, it has been classified as a Variant of Uncertain Significance.

NM_002878.4(RAD51D):c.659A>G (p.Gln220Arg)

Genes: RAD51D (RAD51 paralog D; minus strand), RAD51L3-RFFL (RAD51L3-RFFL readthrough; minus strand). Cytogenetic location: 17q12.
Variant type: single nucleotide variant.
Coding change: c.659A>G on transcript NM_002878.4 (MANE Select); coding-DNA position 659, A replaced by G.
Protein change: p.Gln220Arg; replaces glutamine 220 with arginine.
Molecular consequence: missense variant. On other transcripts: non-coding transcript variant (3).
Genome position (GRCh38, 1-based): chr17:35,103,462, T>C on the plus strand (A>G on the coding strand, the complement: RAD51D is on the minus strand). VCF-style: chr17-35103462-T-C. GRCh37 (hg19) VCF-style: chr17-33430481-T-C.
Other names: c.719A>G, p.Gln240Arg (NM_001142571.2); c.323A>G, p.Gln108Arg (NM_133629.3); short protein forms Q108R, Q240R, Q220R.
Identifiers: ClinVar variation 1040100 (VCV001040100.7), dbSNP rs1254341673, ClinGen allele CA399087845.